The following is an entry in ClinVar:

NM_001099922.3(ALG13):c.3347A>G (p.Asn1116Ser)

Gene: ALG13 (ALG13 UDP-N-acetylglucosaminyltransferase subunit; plus strand). Cytogenetic location: Xq23.
Variant type: single nucleotide variant.
Coding change: c.3347A>G on transcript NM_001099922.3 (MANE Select); coding-DNA position 3347, A replaced by G.
Protein change: p.Asn1116Ser; replaces asparagine 1116 with serine.
Molecular consequence: missense variant. On other transcripts: non-coding transcript variant (1).
Genome position (GRCh38, 1-based): chrX:111,759,932, A>G. VCF-style: chrX-111759932-A-G. GRCh37 (hg19) VCF-style: chrX-111003160-A-G.
Other names: c.2798A>G, p.Asn933Ser (NM_001257230.2, NM_001257234.2, NM_001257237.2); c.3113A>G, p.Asn1038Ser (NM_001257231.2); c.3110A>G, p.Asn1037Ser (NM_001324292.2); c.2624A>G, p.Asn875Ser (NM_001324293.1); short protein forms N1037S, N875S, N1038S, N1116S, N933S.
Identifiers: ClinVar variation 954220 (VCV000954220.10), dbSNP rs1323383971, ClinGen allele CA414293757.

ClinVar aggregate classification (germline): Uncertain significance (1 of 4 stars; one submission).

Conditions:
Developmental and epileptic encephalopathy, 36 (DEE36). Also called: Epileptic encephalopathy, early infantile, 36; ALG13-CDG; Congenital disorder of glycosylation, type Is. Identifiers: Orphanet 324422, MedGen C4317295, MONDO:0010472, OMIM 300884.

Submission:

Labcorp Genetics (formerly Invitae), Labcorp
Classification: Uncertain significance for Developmental and epileptic encephalopathy, 36. Last evaluated: 2019-09-09. Review status: criteria provided, single submitter. Criteria: Invitae Variant Classification Sherloc (09022015). Collection method: clinical testing. Allele origin: germline.
Comment: In summary, the available evidence is currently insufficient to determine the role of this variant in disease. Therefore, it has been classified as a Variant of Uncertain Significance. Algorithms developed to predict the effect of missense changes on protein structure and function output the following: SIFT: "Tolerated"; PolyPhen-2: "Benign"; Align-GVGD: "Class C0". The serine amino acid residue is found in multiple mammalian species, suggesting that this missense change does not adversely affect protein function. These predictions have not been confirmed by published functional studies and their clinical significance is uncertain. This variant has not been reported in the literature in individuals with ALG13-related conditions. This variant is not present in population databases (ExAC no frequency). This sequence change replaces asparagine with serine at codon 1116 of the ALG13 protein (p.Asn1116Ser). The asparagine residue is moderately conserved and there is a small physicochemical difference between asparagine and serine.